The following is an entry in ClinVar:

ClinVar aggregate classification (germline): Uncertain significance (1 of 4 stars; one submission).

gnomAD v4.1: 1 of 1,613,646 alleles (0.000062%); highest among the groups gnomAD compares: East Asian, 0.0022%; no homozygotes.

Submission:

Labcorp Genetics (formerly Invitae), Labcorp
Classification: Uncertain significance. Last evaluated: 2025-11-10. Review status: criteria provided, single submitter. Criteria: Invitae Variant Classification Sherloc (09022015). Collection method: clinical testing. Allele origin: germline.
Comment: This sequence change replaces proline, which is neutral and non-polar, with histidine, which is basic and polar, at codon 701 of the LZTR1 protein (p.Pro701His). This variant is not present in population databases (gnomAD no frequency). This missense change has been observed in individual(s) with Noonan syndrome (PMID: 30368668). Invitae Evidence Modeling of protein sequence and biophysical properties (such as structural, functional, and spatial information, amino acid conservation, physicochemical variation, residue mobility, and thermodynamic stability) indicates that this missense variant is not expected to disrupt LZTR1 protein function with a negative predictive value of 80%. In summary, the available evidence is currently insufficient to determine the role of this variant in disease. Therefore, it has been classified as a Variant of Uncertain Significance.

Literature cited by the submitters: PubMed 30368668.

NM_006767.4(LZTR1):c.2102C>A (p.Pro701His)

Gene: LZTR1 (leucine zipper like post translational regulator 1; plus strand). Cytogenetic location: 22q11.21.
Variant type: single nucleotide variant.
Coding change: c.2102C>A on transcript NM_006767.4 (MANE Select); coding-DNA position 2102, C replaced by A.
Protein change: p.Pro701His; replaces proline 701 with histidine.
Molecular consequence: missense variant.
Genome position (GRCh38, 1-based): chr22:20,995,995, C>A. VCF-style: chr22-20995995-C-A. GRCh37 (hg19) VCF-style: chr22-21350284-C-A.
Other names: short protein forms P701H.
Identifiers: ClinVar variation 4739116 (VCV004739116.1).